The following is an entry in ClinVar:

NM_144997.7(FLCN):c.708C>G (p.Asn236Lys)

Gene: FLCN (folliculin; minus strand). Cytogenetic location: 17p11.2.
Variant type: single nucleotide variant.
Coding change: c.708C>G on transcript NM_144997.7 (MANE Select); coding-DNA position 708, C replaced by G.
Protein change: p.Asn236Lys; replaces asparagine 236 with lysine.
Molecular consequence: missense variant.
Genome position (GRCh38, 1-based): chr17:17,222,572, G>C on the plus strand (C>G on the coding strand, the complement: FLCN is on the minus strand). VCF-style: chr17-17222572-G-C. GRCh37 (hg19) VCF-style: chr17-17125886-G-C.
Other names: c.762C>G, p.Asn254Lys (NM_001353229.2); c.708C>G, p.Asn236Lys (NM_001353230.2, NM_001353231.2, NM_144606.7); short protein forms N236K, N254K.
Identifiers: ClinVar variation 1505278 (VCV001505278.8), dbSNP rs750394475, ClinGen allele CA398533955.

ClinVar aggregate classification (germline): Uncertain significance (1 of 4 stars; one submission).

Conditions:
Birt-Hogg-Dube syndrome. Also called: Birt Hogg Dubé syndrome. Identifiers: Orphanet 122, MedGen C0346010, MONDO:0800444.

Submission:

Labcorp Genetics (formerly Invitae), Labcorp
Classification: Uncertain significance for Birt-Hogg-Dube syndrome. Last evaluated: 2021-07-14. Review status: criteria provided, single submitter. Criteria: Invitae Variant Classification Sherloc (09022015). Collection method: clinical testing. Allele origin: germline.
Comment: This variant has not been reported in the literature in individuals affected with FLCN-related conditions. Algorithms developed to predict the effect of missense changes on protein structure and function are either unavailable or do not agree on the potential impact of this missense change (SIFT: "Deleterious"; PolyPhen-2: "Benign"; Align-GVGD: "Class C0"). In summary, the available evidence is currently insufficient to determine the role of this variant in disease. Therefore, it has been classified as a Variant of Uncertain Significance. This variant is not present in population databases (ExAC no frequency). This sequence change replaces asparagine with lysine at codon 236 of the FLCN protein (p.Asn236Lys). The asparagine residue is highly conserved and there is a moderate physicochemical difference between asparagine and lysine.